The following is an entry in ClinVar:

NM_006662.3(SRCAP):c.3308C>T (p.Thr1103Ile)

Gene: SRCAP (Snf2 related CREBBP activator protein; plus strand). Cytogenetic location: 16p11.2.
Variant type: single nucleotide variant.
Coding change: c.3308C>T on transcript NM_006662.3 (MANE Select); coding-DNA position 3308, C replaced by T.
Protein change: p.Thr1103Ile; replaces threonine 1103 with isoleucine.
Molecular consequence: missense variant.
Genome position (GRCh38, 1-based): chr16:30,721,243, C>T. VCF-style: chr16-30721243-C-T. GRCh37 (hg19) VCF-style: chr16-30732564-C-T.
Other names: short protein forms T1103I.
Identifiers: ClinVar variation 3572814 (VCV003572814.1).

ClinVar aggregate classification (germline): Uncertain significance (1 of 4 stars; one submission).

Submission:

GeneDx
Classification: Uncertain significance. Last evaluated: 2024-07-09. Review status: criteria provided, single submitter. Criteria: GeneDx Variant Classification Process June 2021. Collection method: clinical testing. Allele origin: germline. Affected: yes.
Comment: Not observed at significant frequency in large population cohorts (gnomAD); In silico analysis indicates that this missense variant does not alter protein structure/function; Has not been previously published as pathogenic or benign to our knowledge